The following is an entry in ClinVar:

ClinVar aggregate classification (germline): Uncertain significance (1 of 4 stars; one submission).

Submission:

GeneDx
Classification: Uncertain significance. Last evaluated: 2025-04-09. Review status: criteria provided, single submitter. Criteria: GeneDx Variant Classification Process June 2021. Collection method: clinical testing. Allele origin: germline. Affected: yes.
Comment: Not observed at significant frequency in large population cohorts (gnomAD); In-frame deletion of 1 amino acid(s) in a non-repeat region; In silico analysis indicates that this variant does not alter protein structure/function; Has not been previously published as pathogenic or benign to our knowledge

NM_032482.3(DOT1L):c.3147CAC[1] (p.Thr1051del)

Gene: DOT1L (DOT1 like histone lysine methyltransferase; plus strand). Cytogenetic location: 19p13.3.
Variant type: Microsatellite.
Coding change: c.3147CAC[1] on transcript NM_032482.3 (MANE Select); one copy of the 3-base unit CAC starting at c.3147; the reference has two copies in a row; one copy, 3 bases deleted.
Protein change: p.Thr1051del; deletes threonine 1051.
Molecular consequence: inframe deletion.
Genome position (GRCh38, 1-based): chr19:2,222,319-2,222,321, CAC deleted; deleting any 3 consecutive bases within chr19:2,222,316-2,222,321 gives the same sequence; the position shown is the placement nearest the transcript's 3' end. VCF-style (leftmost placement, unchanged base first): chr19-2222315-TCAC-T. GRCh37 (hg19) VCF-style: chr19-2222314-TCAC-T.
Other names: c.3147CAC[1], p.Thr1051del (NM_001411141.1); short protein forms T1051del.
Identifiers: ClinVar variation 4281882 (VCV004281882.1).